The following is an entry in ClinVar:

ClinVar aggregate classification (germline): Likely benign (1 of 4 stars; one submission).

gnomAD v4.1: 1,800 of 1,601,856 alleles (0.11%); highest among the groups gnomAD compares: Middle Eastern, 0.6%; 54 homozygotes.

Submission:

CeGaT Center for Human Genetics Tuebingen
Classification: Likely benign. Last evaluated: 2025-04-01. Review status: criteria provided, single submitter. Criteria: CeGaT Center For Human Genetics Tuebingen Variant Classification Criteria Version 2. Collection method: clinical testing. Allele origin: germline. Affected: yes. Observed: 1 variant allele.
Comment: CELA3A: BP4, BS2

NM_005747.5(CELA3A):c.622T>G (p.Tyr208Asp)

Gene: CELA3A (chymotrypsin like elastase 3A; plus strand). Cytogenetic location: 1p36.12.
Variant type: single nucleotide variant.
Coding change: c.622T>G on transcript NM_005747.5 (MANE Select); coding-DNA position 622, T replaced by G.
Protein change: p.Tyr208Asp; replaces tyrosine 208 with aspartic acid.
Molecular consequence: missense variant.
Genome position (GRCh38, 1-based): chr1:22,007,495, T>G. VCF-style: chr1-22007495-T-G. GRCh37 (hg19) VCF-style: chr1-22333988-T-G.
Other names: short protein forms Y208D.
Identifiers: ClinVar variation 3898131 (VCV003898131.7).